The following is an entry in ClinVar:

NM_000245.4(MET):c.447T>G (p.Asn149Lys)

Gene: MET (MET proto-oncogene, receptor tyrosine kinase; plus strand). Cytogenetic location: 7q31.2.
Variant type: single nucleotide variant.
Coding change: c.447T>G on transcript NM_000245.4 (MANE Select); coding-DNA position 447, T replaced by G.
Protein change: p.Asn149Lys; replaces asparagine 149 with lysine.
Molecular consequence: missense variant. On other transcripts: intron variant (1).
Genome position (GRCh38, 1-based): chr7:116,699,531, T>G. VCF-style: chr7-116699531-T-G. GRCh37 (hg19) VCF-style: chr7-116339585-T-G.
Other names: c.447T>G, p.Asn149Lys (NM_001127500.3, NM_001324401.3); c.-91+26954T>G (NM_001324402.2); c.447T>G (NM_001127500.1); short protein forms N149K.
Identifiers: ClinVar variation 999373 (VCV000999373.12), dbSNP rs974448652, ClinGen allele CA368969101.

ClinVar aggregate classification (germline): Conflicting classifications of pathogenicity. Review status: criteria provided, conflicting classifications (1 of 4 stars). 3 submissions from 3 submitters: Uncertain significance (2); Likely benign (1). Last evaluated 2026-06-02.

Conditions:
Hereditary cancer-predisposing syndrome. Also called: Hereditary Cancer Syndrome; Neoplastic Syndromes, Hereditary; Tumor predisposition; Hereditary neoplastic syndrome. Identifiers: Orphanet 140162, MedGen C0027672, MeSH D009386, MONDO:0015356.
Renal cell carcinoma. Identifiers: Orphanet 217071, MedGen C0007134, MeSH D002292, MONDO:0005086, HP:0005584.
Papillary renal cell carcinoma type 1 (RCCP1). Also called: RENAL CELL CARCINOMA, PAPILLARY, 1, SOMATIC; Renal adenocarcinoma; Renal cell carcinoma 1; Renal cell carcinoma, somatic. Identifiers: Orphanet 47044, MedGen C1336839, OMIM 605074, HP:0011797.

Allele frequency attached by ClinVar (database versions not stated): gnomAD 0.00001 and 0.00002; TOPMed 0.00001.
gnomAD v4.1: 4 of 1,613,874 alleles (0.00025%); highest among the groups gnomAD compares: Admixed American, 0.005%; no homozygotes.

Submissions (3):

Ambry Genetics
Classification: Likely benign for Hereditary cancer-predisposing syndrome. Last evaluated: 2026-06-02. Review status: criteria provided, single submitter. Criteria: Ambry Variant Classification Scheme 2023. Collection method: clinical testing. Allele origin: germline.

St. Jude Molecular Pathology, St. Jude Children's Research Hospital
Classification: Uncertain significance for Papillary renal cell carcinoma type 1. Last evaluated: 2026-02-11. Review status: criteria provided, single submitter. Criteria: St. Jude Assertion Criteria 2020. Collection method: clinical testing. Allele origin: germline.
Comment: The MET c.447T>G p.(Asn149Lys) missense change is absent in gnomAD v2.1.1. The in silico tool REVEL predicts a benign effect on protein function, but to our knowledge this prediction has not been confirmed by functional studies. To our knowledge, this variant has not been reported in individuals with hereditary papillary renal cell carcinoma. In summary, the evidence currently available is insufficient to determine the clinical significance of this variant. It has therefore been classified as of uncertain significance.

Labcorp Genetics (formerly Invitae), Labcorp
Classification: Uncertain significance for Renal cell carcinoma. Last evaluated: 2025-09-21. Review status: criteria provided, single submitter. Criteria: Invitae Variant Classification Sherloc (09022015). Collection method: clinical testing. Allele origin: germline.
Comment: This sequence change replaces asparagine, which is neutral and polar, with lysine, which is basic and polar, at codon 149 of the MET protein (p.Asn149Lys). This variant is not present in population databases (gnomAD no frequency). This variant has not been reported in the literature in individuals affected with MET-related conditions. ClinVar contains an entry for this variant (Variation ID: 999373). Invitae Evidence Modeling of protein sequence and biophysical properties (such as structural, functional, and spatial information, amino acid conservation, physicochemical variation, residue mobility, and thermodynamic stability) indicates that this missense variant is not expected to disrupt MET protein function with a negative predictive value of 80%. In summary, the available evidence is currently insufficient to determine the role of this variant in disease. Therefore, it has been classified as a Variant of Uncertain Significance.